The following is an entry in ClinVar:

ClinVar aggregate classification (germline): Uncertain significance (1 of 4 stars; one submission).

Conditions:
Charcot-Marie-Tooth disease axonal type 2O. Also called: CHARCOT-MARIE-TOOTH NEUROPATHY, AXONAL, TYPE 2O; CHARCOT-MARIE-TOOTH DISEASE, AXONAL, AUTOSOMAL DOMINANT, TYPE 2O; Charcot-Marie-Tooth Neuropathy Type 2O; Charcot-Marie-Tooth disease, axonal, type 20. Identifiers: Orphanet 284232, MedGen C3280220, MONDO:0013644, OMIM 614228.

Allele frequency attached by ClinVar (database versions not stated): ExAC 0.00001; gnomAD exomes 0.00001.

Submission:

Labcorp Genetics (formerly Invitae), Labcorp
Classification: Uncertain significance for Charcot-Marie-Tooth disease axonal type 2O. Last evaluated: 2023-05-20. Review status: criteria provided, single submitter. Criteria: Invitae Variant Classification Sherloc (09022015). Collection method: clinical testing. Allele origin: germline.
Comment: In summary, the available evidence is currently insufficient to determine the role of this variant in disease. Therefore, it has been classified as a Variant of Uncertain Significance. Advanced modeling of protein sequence and biophysical properties (such as structural, functional, and spatial information, amino acid conservation, physicochemical variation, residue mobility, and thermodynamic stability) has been performed at Invitae for this missense variant, however the output from this modeling did not meet the statistical confidence thresholds required to predict the impact of this variant on DYNC1H1 protein function. This variant has not been reported in the literature in individuals affected with DYNC1H1-related conditions. This variant is present in population databases (rs753385774, gnomAD 0.006%). This sequence change replaces threonine, which is neutral and polar, with methionine, which is neutral and non-polar, at codon 3550 of the DYNC1H1 protein (p.Thr3550Met).

NM_001376.5(DYNC1H1):c.10649C>T (p.Thr3550Met)

Gene: DYNC1H1 (dynein cytoplasmic 1 heavy chain 1; plus strand). Cytogenetic location: 14q32.31.
Variant type: single nucleotide variant.
Coding change: c.10649C>T on transcript NM_001376.5 (MANE Select); coding-DNA position 10649, C replaced by T.
Protein change: p.Thr3550Met; replaces threonine 3550 with methionine.
Molecular consequence: missense variant.
Genome position (GRCh38, 1-based): chr14:102,034,347, C>T. VCF-style: chr14-102034347-C-T. GRCh37 (hg19) VCF-style: chr14-102500684-C-T.
Other names: short protein forms T3550M.
Identifiers: ClinVar variation 2733641 (VCV002733641.3), dbSNP rs753385774, ClinGen allele CA7353456.
Genomic context (GRCh38, chr14:102,034,347, plus strand): 5'-CTGTGAAGAGGAGGAAAGGTAACGGCCTTGCCTTTCAGTTCCGTACAGATATTGCCAGGA[C>T]GGAATACCTTTCCAATGCTGATGAGCGTCTTCGCTGGCAGGCCAGCTCCTTGCCTGCTGA-3'
Protein context (NP_001367.2, residues 3540-3560): NIQFRTDIAR[Thr3550Met]EYLSNADERL